The following is an entry in ClinVar:

NM_000138.5(FBN1):c.3035C>A (p.Pro1012His)

Gene: FBN1 (fibrillin 1; minus strand). Cytogenetic location: 15q21.1.
Variant type: single nucleotide variant.
Coding change: c.3035C>A on transcript NM_000138.5 (MANE Select); coding-DNA position 3035, C replaced by A.
Protein change: p.Pro1012His; replaces proline 1012 with histidine.
Molecular consequence: missense variant.
Genome position (GRCh38, 1-based): chr15:48,489,898, G>T on the plus strand (C>A on the coding strand, the complement: FBN1 is on the minus strand). VCF-style: chr15-48489898-G-T. GRCh37 (hg19) VCF-style: chr15-48782095-G-T.
Other names: short protein forms P1012H.
Identifiers: ClinVar variation 1014269 (VCV001014269.8), dbSNP rs113990281, ClinGen allele CA392328973.

ClinVar aggregate classification (germline): Uncertain significance (1 of 4 stars; one submission).

Conditions:
Marfan syndrome (MFS). Also called: FBN1-Related Marfan Syndrome; MARFAN SYNDROME, TYPE I; Marfan syndrome type 1; Marfan's syndrome; Marfan syndrome, classic. Identifiers: Orphanet 284963, Orphanet 558, MedGen C0024796, MONDO:0007947, OMIM 154700.
Familial thoracic aortic aneurysm and aortic dissection (TAAD). Also called: Thoracic aortic aneurysms and dissections. Identifiers: Orphanet 91387, MedGen C4707243, MONDO:0019625.

Allele frequency attached by ClinVar (database versions not stated): gnomAD exomes below 0.00001.
gnomAD v4.1: 1 of 1,614,082 alleles (0.000062%); no homozygotes.

Submission:

Labcorp Genetics (formerly Invitae), Labcorp
Classification: Uncertain significance for Marfan syndrome; Familial thoracic aortic aneurysm and aortic dissection. Last evaluated: 2025-03-10. Review status: criteria provided, single submitter. Criteria: Invitae Variant Classification Sherloc (09022015). Collection method: clinical testing. Allele origin: germline.
Comment: This sequence change replaces proline, which is neutral and non-polar, with histidine, which is basic and polar, at codon 1012 of the FBN1 protein (p.Pro1012His). This variant is present in population databases (no rsID available, gnomAD no frequency). This variant has not been reported in the literature in individuals affected with FBN1-related conditions. ClinVar contains an entry for this variant (Variation ID: 1014269). Invitae Evidence Modeling of protein sequence and biophysical properties (such as structural, functional, and spatial information, amino acid conservation, physicochemical variation, residue mobility, and thermodynamic stability) indicates that this missense variant is expected to disrupt FBN1 protein function with a positive predictive value of 95%. In summary, the available evidence is currently insufficient to determine the role of this variant in disease. Therefore, it has been classified as a Variant of Uncertain Significance.